The following is an entry in ClinVar:

ClinVar aggregate classification (germline): Pathogenic. Review status: criteria provided, multiple submitters, no conflicts (2 of 4 stars). 6 submissions from 6 submitters: Pathogenic (4). 2 of the submissions do not count toward it. Last evaluated 2025-12-02.

Conditions:
Inborn genetic diseases. Identifiers: MedGen C0950123, MeSH D030342.
DE SANCTIS-CACCHIONE SYNDROME. Identifiers: MedGen C0265201, MONDO:0010217, OMIM 278800.
Cockayne syndrome type 2 (CSB). Also called: Cockayne Syndrome, Type II; COCKAYNE SYNDROME B. Identifiers: Orphanet 191, Orphanet 90322, MedGen C0751038, MONDO:0019570, OMIM 133540.
Cerebrooculofacioskeletal syndrome 1 (COFS1). Also called: Cerebro-oculo-facio-skeletal syndrome 1. Identifiers: MedGen C0220722, MONDO:0008955, OMIM 214150.
ERCC6-related disorder. Also called: ERCC6-related condition; ERCC6-related disorders. Identifiers: MedGen CN239385.

Allele frequency attached by ClinVar (database versions not stated): gnomAD 0.00001; ExAC 0.00002; gnomAD exomes 0.00002; TOPMed 0.00002.
gnomAD v4.1: 29 of 1,613,846 alleles (0.0018%); highest among the groups gnomAD compares: Admixed American, 0.0033%; no homozygotes.

Submissions (6):

Labcorp Genetics (formerly Invitae), Labcorp
Classification: Pathogenic. Last evaluated: 2025-12-02. Review status: criteria provided, single submitter. Criteria: Invitae Variant Classification Sherloc (09022015). Collection method: clinical testing. Allele origin: germline.
Comment: This sequence change creates a premature translational stop signal (p.Arg857*) in the ERCC6 gene. It is expected to result in an absent or disrupted protein product. Loss-of-function variants in ERCC6 are known to be pathogenic (PMID: 18628313, 29572252). This variant is present in population databases (rs751448793, gnomAD 0.006%). This premature translational stop signal has been observed in individuals with Cockayne syndrome or cerebrooculofacioskeletal syndrome (PMID: 18628313, 19894250). ClinVar contains an entry for this variant (Variation ID: 553383). Algorithms developed to predict the effect of sequence changes on RNA splicing suggest that this variant may disrupt the consensus splice site. For these reasons, this variant has been classified as Pathogenic.

Ambry Genetics
Classification: Pathogenic for Inborn genetic diseases. Last evaluated: 2025-09-11. Review status: criteria provided, single submitter. Criteria: Ambry Variant Classification Scheme 2023. Collection method: clinical testing. Allele origin: germline.
Comment: The c.2569C>T (p.R857*) alteration, located in exon 13 (coding exon 12) of the ERCC6 gene, consists of a C to T substitution at nucleotide position 2569. This changes the amino acid from a arginine (R) to a stop codon at amino acid position 857. Loss-of-function variants are expected to result in loss of function by premature protein truncation or nonsense-mediated mRNA decay. However, in silico splice site analysis predicts that this alteration may weaken the native splice donor site and may result in the creation or strengthening of a novel splice donor site. The exact functional effect of this variant is unknown. Based on data from gnomAD, the T allele has an overall frequency of 0.002% (6/251172) total alleles studied. The highest observed frequency was 0.006% (2/34588) of Latino alleles. This variant has been identified in conjunction with other ERCC6 variants in individuals with features consistent with ERCC6-related spectrum disorders (Laugel, 2008; Laugel, 2010). Based on the available evidence, this alteration is classified as pathogenic.

Genomic Medicine Center of Excellence, King Faisal Specialist Hospital and Research Centre
Classification: Pathogenic for Cockayne syndrome type 2. Last evaluated: 2024-09-22. Review status: criteria provided, single submitter. Criteria: ACMG Guidelines, 2015. Collection method: clinical testing. Allele origin: germline.

Neuberg Centre For Genomic Medicine, NCGM
Classification: Pathogenic for Cockayne syndrome type 2. Review status: criteria provided, single submitter. Criteria: ACMG Guidelines, 2015. Collection method: clinical testing. Allele origin: germline. Inheritance: Autosomal recessive inheritance. Affected: yes.
Comment: The stop-gained variant c.2569C>T (p.Arg857Ter) in the ERCC6 gene has been reported in the heterozygous state in individuals affected with Cockayne syndrome and Cerebrooculofacioskeletal syndrome (Laugel et al., 2010; Laugel et al., 2008). This variant is reported with the allele frequency (0.002%) in the gnomAD Exome. It has been submitted to ClinVar as Pathogenic. This variant is predicted to cause a loss of normal protein function through protein truncation. Loss of function variants has been previously reported to be disease causing. For these reasons, this variant has been classified as Pathogenic.

PreventionGenetics, part of Exact Sciences
Classification: Pathogenic for ERCC6-related condition. Last evaluated: 2024-05-16. Review status: no assertion criteria provided. Collection method: clinical testing. Allele origin: germline. Not counted in ClinVar's aggregate classification.
Comment: The ERCC6 c.2569C>T variant is predicted to result in premature protein termination (p.Arg857*). This variant was reported in the compound heterozygous state in two individuals with cerebro-oculo-facio-skeletal syndrome (Laugel et al. 2008. PubMed ID: 18628313; Martins et al. 2021. PubMed ID: 34271225). This variant is reported in 0.0058% of alleles in individuals of Latino descent in gnomAD. Nonsense variants in ERCC6 are expected to be pathogenic. This variant is interpreted as pathogenic.

Counsyl
Classification: Pathogenic for Cockayne syndrome type 2; Cerebrooculofacioskeletal syndrome 1; DE SANCTIS-CACCHIONE SYNDROME. Last evaluated: 2017-08-24. Review status: no assertion criteria provided. Collection method: clinical testing. Allele origin: unknown. Not counted in ClinVar's aggregate classification.

Literature cited by the submitters: PubMed 18628313 (cited by Labcorp Genetics (formerly Invitae), Labcorp and Ambry Genetics); PubMed 29572252 (cited by Labcorp Genetics (formerly Invitae), Labcorp); PubMed 19894250 (cited by 3 submitters).

NM_000124.4(ERCC6):c.2569C>T (p.Arg857Ter)

Gene: ERCC6 (ERCC excision repair 6, chromatin remodeling factor; minus strand). Cytogenetic location: 10q11.23.
Variant type: single nucleotide variant.
Coding change: c.2569C>T on transcript NM_000124.4 (MANE Select); coding-DNA position 2569, C replaced by T.
Protein change: p.Arg857Ter; replaces arginine 857 with a stop codon.
Molecular consequence: nonsense.
Genome position (GRCh38, 1-based): chr10:49,474,056, G>A on the plus strand (C>T on the coding strand, the complement: ERCC6 is on the minus strand). VCF-style: chr10-49474056-G-A. GRCh37 (hg19) VCF-style: chr10-50682102-G-A.
Other names: c.2569C>T, p.Arg857Ter (NM_001346440.2); short protein forms R857*.
Identifiers: ClinVar variation 553383 (VCV000553383.13), dbSNP rs751448793, ClinGen allele CA5495625.